The following is an entry in ClinVar:

NM_004656.4(BAP1):c.479G>A (p.Ser160Asn)

Gene: BAP1 (BRCA1 associated deubiquitinase 1; minus strand). Cytogenetic location: 3p21.1.
Variant type: single nucleotide variant.
Coding change: c.479G>A on transcript NM_004656.4 (MANE Select); coding-DNA position 479, G replaced by A.
Protein change: p.Ser160Asn; replaces serine 160 with asparagine.
Molecular consequence: missense variant.
Genome position (GRCh38, 1-based): chr3:52,407,275, C>T on the plus strand (G>A on the coding strand, the complement: BAP1 is on the minus strand). VCF-style: chr3-52407275-C-T. GRCh37 (hg19) VCF-style: chr3-52441291-C-T.
Other names: c.479G>A (LRG_529t1); short protein forms S160N.
Identifiers: ClinVar variation 489635 (VCV000489635.6), dbSNP rs1553645818, ClinGen allele CA353110183.

ClinVar aggregate classification (germline): Uncertain significance (1 of 4 stars; one submission).

Conditions:
Hereditary cancer-predisposing syndrome. Also called: Hereditary Cancer Syndrome; Neoplastic Syndromes, Hereditary; Tumor predisposition; Hereditary neoplastic syndrome. Identifiers: Orphanet 140162, MedGen C0027672, MeSH D009386, MONDO:0015356.

Submission:

Color Diagnostics, LLC DBA Color Health
Classification: Uncertain significance for Hereditary cancer-predisposing syndrome. Last evaluated: 2023-12-05. Review status: criteria provided, single submitter. Criteria: ACMG Guidelines, 2015. Collection method: clinical testing. Allele origin: germline.
Comment: This missense variant replaces serine with asparagine at codon 160 of the BAP1 protein. Computational prediction suggests that this variant may not impact protein structure and function (internally defined REVEL score threshold <= 0.5, PMID: 27666373). To our knowledge, functional studies have not been reported for this variant. This variant has not been reported in individuals affected with BAP1-related disorders in the literature. This variant has not been identified in the general population by the Genome Aggregation Database (gnomAD). The available evidence is insufficient to determine the role of this variant in disease conclusively. Therefore, this variant is classified as a Variant of Uncertain Significance.